The following is an entry in ClinVar:

ClinVar aggregate classification (germline): Conflicting classifications of pathogenicity. Review status: criteria provided, conflicting classifications (1 of 4 stars). 7 submissions from 7 submitters: Uncertain significance (6); Likely benign (1). Last evaluated 2026-03-27.

Conditions:
Autosomal recessive limb-girdle muscular dystrophy type 2J (LGMDR10). Also called: MUSCULAR DYSTROPHY, LIMB-GIRDLE, AUTOSOMAL RECESSIVE 10; Limb-girdle muscular dystrophy, type 2J. Identifiers: Orphanet 140922, MedGen C1837342, MONDO:0012127, OMIM 608807.
Dilated cardiomyopathy 1G (CMD1G). Identifiers: Orphanet 154, MedGen C1858763, MONDO:0011400, OMIM 604145.
TTN-related disorder. Also called: TTN-related condition; TTN-related disease; TTN-related disorders.
Hypertrophic cardiomyopathy 9. Also called: Familial hypertrophic cardiomyopathy 9. Identifiers: MedGen C1861065, MONDO:0013412, OMIM 613765.
Early-onset myopathy with fatal cardiomyopathy (CMYO5). Also called: CONGENITAL MYOPATHY 5 WITH CARDIOMYOPATHY; Salih Myopathy. Identifiers: Orphanet 289377, MedGen C2673677, MONDO:0012714, OMIM 611705. Disease mechanism: loss of function.
Myopathy, myofibrillar, 9, with early respiratory failure (MFM9). Also called: Myopathy, distal, with early respiratory failure, autosomal dominant; EDSTROM MYOPATHY; MYOPATHY, PROXIMAL, WITH EARLY RESPIRATORY MUSCLE INVOLVEMENT; Hereditary myopathy with early respiratory failure. Identifiers: Orphanet 178464, Orphanet 34521, MedGen C1863599, MONDO:0011362, OMIM 603689.
Tibial muscular dystrophy (TMD). Also called: Tibial muscular dystrophy, tardive; UDD MYOPATHY; Udd Distal Myopathy – Tibial Muscular Dystrophy. Identifiers: Orphanet 609, MedGen C1838244, MONDO:0010870, OMIM 600334.

Allele frequency attached by ClinVar (database versions not stated): TOPMed 0.00007; 1000 Genomes Project 30x 0.00016; 1000 Genomes Project 0.00020; ExAC 0.00002; gnomAD exomes 0.00002; gnomAD 0.00005 and 0.00006.
gnomAD v4.1: 19 of 1,613,788 alleles (0.0012%); highest among the groups gnomAD compares: African/African-American, 0.024%; no homozygotes.

Submissions (7):

Molecular Diagnostic Laboratory for Inherited Cardiovascular Disease, Montreal Heart Institute
Classification: Likely benign. Last evaluated: 2026-03-27. Review status: criteria provided, single submitter. Criteria: ACMG Guidelines, 2015. Collection method: clinical testing. Allele origin: germline. Affected: no.
Comment: BP1;BP4

PreventionGenetics, part of Exact Sciences
Classification: Uncertain significance for TTN-related condition. Last evaluated: 2026-03-03. Review status: criteria provided, single submitter. Criteria: ACMG Guidelines, 2015. Collection method: clinical testing. Allele origin: germline.
Comment: The TTN c.99178A>C variant is predicted to result in the amino acid substitution p.Ile33060Leu. To our knowledge, this variant has not been reported in the literature. This variant is reported in 0.021% of alleles in individuals of African descent in gnomAD. At this time, the clinical significance of this variant is uncertain due to the absence of conclusive functional and genetic evidence.

GeneDx
Classification: Uncertain significance. Last evaluated: 2024-05-08. Review status: criteria provided, single submitter. Criteria: GeneDx Variant Classification Process June 2021. Collection method: clinical testing. Allele origin: germline. Affected: yes.
Comment: Not observed at significant frequency in large population cohorts (gnomAD); Missense variant in a gene in which most reported pathogenic variants are truncating/loss of function; Has not been previously published as pathogenic or benign to our knowledge

Revvity Omics, Revvity
Classification: Uncertain significance. Last evaluated: 2021-11-25. Review status: criteria provided, single submitter. Criteria: ACMG Guidelines, 2015. Collection method: clinical testing. Allele origin: germline.

Fulgent Genetics
Classification: Uncertain significance for Tibial muscular dystrophy; Myopathy, myofibrillar, 9, with early respiratory failure; Dilated cardiomyopathy 1G; Autosomal recessive limb-girdle muscular dystrophy type 2J; Early-onset myopathy with fatal cardiomyopathy; Hypertrophic cardiomyopathy 9. Last evaluated: 2018-10-31. Review status: criteria provided, single submitter. Criteria: ACMG Guidelines, 2015. Collection method: clinical testing. Allele origin: unknown.

Eurofins Ntd Llc (ga)
Classification: Uncertain significance. Last evaluated: 2017-08-22. Review status: criteria provided, single submitter. Criteria: EGL Classification Definitions 2015. Collection method: clinical testing. Allele origin: germline. Observed: 1 variant allele, 1 heterozygote.

Labcorp Genetics (formerly Invitae), Labcorp
Classification: Uncertain significance for Dilated cardiomyopathy 1G; Autosomal recessive limb-girdle muscular dystrophy type 2J. Last evaluated: 2016-03-29. Review status: criteria provided, single submitter. Criteria: Invitae Variant Classification Sherloc (09022015). Collection method: clinical testing. Allele origin: germline.

NM_001267550.2(TTN):c.99178A>C (p.Ile33060Leu)

Genes: TTN-AS1 (TTN antisense RNA 1; plus strand), TTN (titin; minus strand). Cytogenetic location: 2q31.2.
Variant type: single nucleotide variant.
Coding change: c.99178A>C on transcript NM_001267550.2 (MANE Select); coding-DNA position 99178, A replaced by C.
Protein change: p.Ile33060Leu; replaces isoleucine 33060 with leucine.
Molecular consequence: missense variant.
Genome position (GRCh38, 1-based): chr2:178,538,651, T>G on the plus strand (A>C on the coding strand, the complement: TTN is on the minus strand). VCF-style: chr2-178538651-T-G. GRCh37 (hg19) VCF-style: chr2-179403378-T-G.
Other names: c.99178A>C (NM_001267550.1); c.94255A>C, p.Ile31419Leu (NM_001256850.1); c.71983A>C, p.Ile23995Leu (NM_003319.4); c.91474A>C, p.Ile30492Leu (NM_133378.4); c.72358A>C, p.Ile24120Leu (NM_133432.3); c.72559A>C, p.Ile24187Leu (NM_133437.4); short protein forms I33060L, I30492L, I23995L, I24120L, I31419L, I24187L.
Identifiers: ClinVar variation 238875 (VCV000238875.14), dbSNP rs142108986, ClinGen allele CA1986243.
Genomic context (GRCh38, chr2:178,538,651, plus strand): 5'-CAGTCTCATTCTCAGCAAAAACCCTGAATTCATACTCAGTAGCTTCCAGCAAACCTCCTA[T>G]TGTGAATTGCTTGTCCTTAATACGTTCCTTATTGCTCTTCTTCCAGGCACTGTCTCCAGA-3'
Protein context (NP_001254479.2, residues 33050-33070): KERIKDKQFT[Ile33060Leu]GGLLEATEYE